The following is an entry in ClinVar:

NM_022489.4(INF2):c.2611-12C>T

Gene: INF2 (inverted formin 2; plus strand). Cytogenetic location: 14q32.33.
Variant type: single nucleotide variant.
Coding change: c.2611-12C>T on transcript NM_022489.4 (MANE Select); 12 bases into the intron before coding-DNA position 2611, C replaced by T.
Molecular consequence: intron variant.
Genome position (GRCh38, 1-based): chr14:104,712,816, C>T. VCF-style: chr14-104712816-C-T. GRCh37 (hg19) VCF-style: chr14-105179153-C-T.
Other names: c.2611-12C>T (NM_001031714.4).
Identifiers: ClinVar variation 387202 (VCV000387202.5), dbSNP rs1057522725, ClinGen allele CA16606517.
Genomic context (GRCh38, chr14:104,712,816, plus strand): 5'-CAACTCAGGGCCTCACCCCGGGTGGTGCCCGCGCGGGGCTCTCACGGGACTGTCACGTGC[C>T]CTTGCCCCCAGGCCAGCATCTCGGCCTTCCGGGCACTGGATGAGCTGTTTGAGGCCATCG-3'

ClinVar aggregate classification (germline): Likely benign. Review status: criteria provided, multiple submitters, no conflicts (2 of 4 stars). 2 submissions from 2 submitters: Likely benign (2). Last evaluated 2023-04-24.

Conditions:
Charcot-Marie-Tooth disease dominant intermediate E. Also called: CHARCOT-MARIE-TOOTH NEUROPATHY WITH FOCAL SEGMENTAL GLOMERULONEPHRITIS. Identifiers: Orphanet 93114, MedGen C4302667, MONDO:0013758, OMIM 614455.
Focal segmental glomerulosclerosis 5 (FSGS5). Identifiers: Orphanet 656, MedGen C2750475, MONDO:0013191, OMIM 613237.

Allele frequency attached by ClinVar (database versions not stated): gnomAD 0.00001; gnomAD exomes 0.00001; TOPMed 0.00003.
gnomAD v4.1: 5 of 1,604,844 alleles (0.00031%); highest among the groups gnomAD compares: Non-Finnish European, 0.00043%; no homozygotes.

Submissions (2):

Labcorp Genetics (formerly Invitae), Labcorp
Classification: Likely benign for Charcot-Marie-Tooth disease dominant intermediate E; Focal segmental glomerulosclerosis 5. Last evaluated: 2023-04-24. Review status: criteria provided, single submitter. Criteria: Invitae Variant Classification Sherloc (09022015). Collection method: clinical testing. Allele origin: germline.

GeneDx
Classification: Likely benign. Last evaluated: 2016-06-28. Review status: criteria provided, single submitter. Criteria: GeneDx Variant Classification (06012015). Collection method: clinical testing. Allele origin: germline. Affected: yes.
Comment: This variant is considered likely benign or benign based on one or more of the following criteria: it is a conservative change, it occurs at a poorly conserved position in the protein, it is predicted to be benign by multiple in silico algorithms, and/or has population frequency not consistent with disease.